The following is an entry in ClinVar:

ClinVar aggregate classification (germline): Uncertain significance (1 of 4 stars; one submission).

Submission:

Ambry Genetics
Classification: Uncertain significance. Last evaluated: 2025-05-31. Review status: criteria provided, single submitter. Criteria: Ambry Variant Classification Scheme 2023. Collection method: clinical testing. Allele origin: germline.
Comment: The p.K460E variant (also known as c.1378A>G), located in coding exon 12 of the GEN1 gene, results from an A to G substitution at nucleotide position 1378. The lysine at codon 460 is replaced by glutamic acid, an amino acid with similar properties. This amino acid position is conserved. In addition, this alteration is predicted to be tolerated by in silico analysis. Based on the available evidence, the clinical significance of this variant remains unclear.

NM_001130009.3(GEN1):c.1378A>G (p.Lys460Glu)

Gene: GEN1 (GEN1 Holliday junction 5' flap endonuclease; plus strand). Cytogenetic location: 2p24.2.
Variant type: single nucleotide variant.
Coding change: c.1378A>G on transcript NM_001130009.3 (MANE Select); coding-DNA position 1378, A replaced by G.
Protein change: p.Lys460Glu; replaces lysine 460 with glutamic acid.
Molecular consequence: missense variant.
Genome position (GRCh38, 1-based): chr2:17,780,091, A>G. VCF-style: chr2-17780091-A-G. GRCh37 (hg19) VCF-style: chr2-17961358-A-G.
Other names: c.1378A>G, p.Lys460Glu (NM_182625.5); short protein forms K460E.
Identifiers: ClinVar variation 4029323 (VCV004029323.1).
Genomic context (GRCh38, chr2:17,780,091, plus strand): 5'-GAGGAAGAATCATTGTTTGAAGCAGCATATCCTGAGATCGTTGCTGTTTACCAAAAACAA[A>G]AGTTAGAAATTAAAGGGAAGAAACAAAAACGTAAGTTTTGGGTTTGATAGCTATTTATGC-3'
Protein context (NP_001123481.3, residues 450-470): PEIVAVYQKQ[Lys460Glu]LEIKGKKQKR